The following is an entry in ClinVar:

NR_164128.1(CCDC144NL):n.390G>A

Genes: CCDC144NL-AS1 (CCDC144NL antisense RNA 1; plus strand), CCDC144NL-AS1-LOC339260 (CCDC144NL-AS1-LOC339260 readthrough; plus strand). Cytogenetic location: 17p11.2.
Variant type: single nucleotide variant.
Molecular consequence: non-coding transcript variant (on NR_164128.1).
Genome position: GRCh38 VCF-style: chr17-20895774-C-T. GRCh37 (hg19) VCF-style: chr17-20799087-C-T.
Identifiers: ClinVar variation 2647571 (VCV002647571.23), dbSNP rs150947349, ClinGen allele CA8448616.

ClinVar aggregate classification (germline): Likely benign (1 of 4 stars; one submission).

Allele frequency attached by ClinVar (database versions not stated): 1000 Genomes Project 30x 0.00250; 1000 Genomes Project 0.00280; ExAC 0.00462; TOPMed 0.00487; gnomAD 0.00530; ESP Exome Variant Server 0.00639; gnomAD exomes 0.00760.

Submission:

CeGaT Center for Human Genetics Tuebingen
Classification: Likely benign. Last evaluated: 2023-02-01. Review status: criteria provided, single submitter. Criteria: CeGaT Center For Human Genetics Tuebingen Variant Classification Criteria Version 2. Collection method: clinical testing. Allele origin: germline. Affected: yes. Observed: 2 variant alleles.
Comment: CCDC144NL: BS2